The following is an entry in ClinVar:

NM_004360.5(CDH1):c.2296G>A (p.Asp766Asn)

Gene: CDH1 (cadherin 1; plus strand). Cytogenetic location: 16q22.1.
Variant type: single nucleotide variant.
Coding change: c.2296G>A on transcript NM_004360.5 (MANE Select); coding-DNA position 2296, G replaced by A.
Protein change: p.Asp766Asn; replaces aspartic acid 766 with asparagine.
Molecular consequence: missense variant.
Genome position (GRCh38, 1-based): chr16:68,829,654, G>A. VCF-style: chr16-68829654-G-A. GRCh37 (hg19) VCF-style: chr16-68863557-G-A.
Other names: c.2113G>A, p.Asp705Asn (NM_001317184.2); c.748G>A, p.Asp250Asn (NM_001317185.2); c.331G>A, p.Asp111Asn (NM_001317186.2); short protein forms D250N, D705N, D111N, D766N.
Identifiers: ClinVar variation 1789177 (VCV001789177.2), dbSNP rs1471460728, ClinGen allele CA396470720.

ClinVar aggregate classification (germline): Uncertain significance (1 of 4 stars; one submission).

Conditions:
Hereditary cancer-predisposing syndrome. Also called: Hereditary Cancer Syndrome; Hereditary neoplastic syndrome; Tumor predisposition; Neoplastic Syndromes, Hereditary. Identifiers: Orphanet 140162, MedGen C0027672, MeSH D009386, MONDO:0015356.

gnomAD v4.1: 1 of 1,614,038 alleles (0.000062%); highest among the groups gnomAD compares: Non-Finnish European, 0.000085%; no homozygotes.

Submission:

Ambry Genetics
Classification: Uncertain significance for Hereditary cancer-predisposing syndrome. Last evaluated: 2022-09-25. Review status: criteria provided, single submitter. Criteria: Ambry Variant Classification Scheme 2023. Collection method: clinical testing. Allele origin: germline.
Comment: The p.D766N variant (also known as c.2296G>A) is located in coding exon 15 of the CDH1 gene. The aspartic acid at codon 766 is replaced by asparagine, an amino acid with highly similar properties. This change occurs in the first base pair of coding exon 15. This amino acid position is conserved. In addition, this alteration is predicted to be tolerated by in silico analysis. Since supporting evidence is limited at this time, the clinical significance of this alteration remains unclear.